The following is an entry in ClinVar:

NM_000530.8(MPZ):c.610A>G (p.Lys204Glu)

Gene: MPZ (myelin protein zero; minus strand). Cytogenetic location: 1q23.3.
Variant type: single nucleotide variant.
Coding change: c.610A>G on transcript NM_000530.8 (MANE Select); coding-DNA position 610, A replaced by G.
Protein change: p.Lys204Glu; replaces lysine 204 with glutamic acid.
Molecular consequence: missense variant.
Genome position (GRCh38, 1-based): chr1:161,306,143, T>C on the plus strand (A>G on the coding strand, the complement: MPZ is on the minus strand). VCF-style: chr1-161306143-T-C. GRCh37 (hg19) VCF-style: chr1-161275933-T-C.
Other names: c.610A>G (LRG_256t1); c.610A>G, p.Lys204Glu (NM_001315491.2); short protein forms K204E.
Identifiers: ClinVar variation 423781 (VCV000423781.11), dbSNP rs1064796625, ClinGen allele CA16617014.

ClinVar aggregate classification (germline): Uncertain significance. Review status: criteria provided, multiple submitters, no conflicts (2 of 4 stars). 2 submissions from 2 submitters: Uncertain significance (2). Last evaluated 2022-07-12.

Conditions:
Charcot-Marie-Tooth disease, type I (CMT1). Also called: Charcot-Marie-Tooth, Type 1; Charcot-Marie-Tooth disease type 1. Identifiers: Orphanet 65753, MedGen C0751036, MONDO:0019011.

Allele frequency attached by ClinVar (database versions not stated): TOPMed 0.00002.
gnomAD v4.1: 2 of 1,614,236 alleles (0.00012%); highest among the groups gnomAD compares: Non-Finnish European, 0.00017%; no homozygotes.

Submissions (2):

Labcorp Genetics (formerly Invitae), Labcorp
Classification: Uncertain significance for Charcot-Marie-Tooth disease, type I. Last evaluated: 2022-07-12. Review status: criteria provided, single submitter. Criteria: Invitae Variant Classification Sherloc (09022015). Collection method: clinical testing. Allele origin: germline.
Comment: This sequence change replaces lysine, which is basic and polar, with glutamic acid, which is acidic and polar, at codon 204 of the MPZ protein (p.Lys204Glu). This variant is not present in population databases (gnomAD no frequency). This variant has not been reported in the literature in individuals affected with MPZ-related conditions. ClinVar contains an entry for this variant (Variation ID: 423781). Algorithms developed to predict the effect of missense changes on protein structure and function are either unavailable or do not agree on the potential impact of this missense change (SIFT: "Deleterious"; PolyPhen-2: "Benign"; Align-GVGD: "Class C0"). This variant disrupts the p.Lys204 amino acid residue in MPZ. Other variant(s) that disrupt this residue have been determined to be pathogenic (PMID: 20544920). This suggests that this residue is clinically significant, and that variants that disrupt this residue are likely to be disease-causing. In summary, the available evidence is currently insufficient to determine the role of this variant in disease. Therefore, it has been classified as a Variant of Uncertain Significance.

GeneDx
Classification: Uncertain significance. Last evaluated: 2017-02-21. Review status: criteria provided, single submitter. Criteria: GeneDx Variant Classification (06012015). Collection method: clinical testing. Allele origin: germline. Affected: yes.
Comment: The K204E variant in the MPZ gene has not been reported previously as a pathogenic variant, nor as a benign variant, to our knowledge. The K204E variant is not observed in large population cohorts (Lek et al., 2016; 1000 Genomes Consortium et al., 2015; Exome Variant Server). The K204E variant is a non-conservative amino acid substitution, which is likely to impact secondary protein structure as these residues differ in polarity, charge, size and/or other properties. This substitution occurs at a position that is conserved in mammals. However, in silico analysis is inconsistent in its predictions as to whether or not the variant is damaging to the protein structure/function. We interpret K204E as a variant of uncertain significance.

Literature cited by the submitters: PubMed 20544920 (cited by Labcorp Genetics (formerly Invitae), Labcorp).